The following is an entry in ClinVar:

ClinVar aggregate classification (germline): Uncertain significance (1 of 4 stars; one submission).

Conditions:
Hereditary cancer-predisposing syndrome. Also called: Neoplastic Syndromes, Hereditary; Hereditary neoplastic syndrome; Tumor predisposition; Hereditary Cancer Syndrome. Identifiers: Orphanet 140162, MedGen C0027672, MeSH D009386, MONDO:0015356.

Submission:

Color Diagnostics, LLC DBA Color Health
Classification: Uncertain significance for Hereditary cancer-predisposing syndrome. Last evaluated: 2025-08-04. Review status: criteria provided, single submitter. Criteria: ACMG Guidelines, 2015. Collection method: clinical testing. Allele origin: germline.
Comment: This variant causes the deletion of amino acids isoleucine and valine at codons 967 and 969 of the MSH6 protein. To our knowledge, functional studies have not been reported for this variant. This variant has not been reported in individuals affected with MSH6-related disorders in the literature. This variant has not been identified in the general population by the Genome Aggregation Database (gnomAD). The available evidence is insufficient to determine the role of this variant in disease conclusively. Therefore, this variant is classified as a Variant of Uncertain Significance.

NM_000179.3(MSH6):c.2898_2904delinsT (p.Ile967_Val968del)

Gene: MSH6 (mutS homolog 6; plus strand). Cytogenetic location: 2p16.3.
Variant type: Indel.
Coding change: c.2898_2904delinsT on transcript NM_000179.3 (MANE Select); coding-DNA positions 2898 to 2904, CATAGTC replaced by T.
Protein change: p.Ile967_Val968del.
Molecular consequence: non-coding transcript variant (on NR_176256.1). On other transcripts: intron variant (2).
Genome position (GRCh38, 1-based): chr2:47,800,881-47,800,887, CATAGTC replaced by T. VCF-style: chr2-47800881-CATAGTC-T. GRCh37 (hg19) VCF-style: chr2-48028020-CATAGTC-T.
Other names: c.2508_2514delinsT, p.Ile837_Val838del (NM_001281492.2); c.1992_1998delinsT, p.Ile665_Val666del (NM_001281493.2, NM_001281494.2, NM_001406811.1 and 6 more transcripts); c.2994_3000delinsT, p.Ile999_Val1000del (NM_001406795.1, NM_001406802.1); c.2898_2904delinsT, p.Ile967_Val968del (NM_001406796.1, NM_001406798.1, NM_001406800.1 and 2 more transcripts); c.2601_2607delinsT, p.Ile868_Val869del (NM_001406797.1, NM_001406801.1, NM_001406805.1 and 10 more transcripts); c.2373_2379delinsT, p.Ile792_Val793del (NM_001406799.1, NM_001406806.1, NM_001406807.1); c.2820_2826delinsT, p.Ile941_Val942del (NM_001406804.1); c.2904_2910delinsT, p.Ile969_Val970del (NM_001406813.1); and 4 more.
Identifiers: ClinVar variation 4758974 (VCV004758974.1).
Genomic context (GRCh38, chr2:47,800,881, plus strand): 5'-AAATGAACAGAGCCTCCTGGAATACCTAGAGAAACAGCGCAACAGAATTGGCTGTAGGAC[CATAGTC>T]TATTGGGGGATTGGTAGGAACCGTTACCAGCTGGAAATTCCTGAGAATTTCACCACTCGC-3'